The following is an entry in ClinVar:

ClinVar aggregate classification (germline): Pathogenic. Review status: reviewed by expert panel (3 of 4 stars). 5 submissions from 5 submitters: Pathogenic (1). 4 of the submissions do not count toward it. Last evaluated 2017-12-15.

Conditions:
Hereditary cancer-predisposing syndrome. Also called: Hereditary Cancer Syndrome; Hereditary neoplastic syndrome; Neoplastic Syndromes, Hereditary; Tumor predisposition. Identifiers: Orphanet 140162, MedGen C0027672, MeSH D009386, MONDO:0015356.
Breast-ovarian cancer, familial, susceptibility to, 1 (BROVCA1). Also called: BRCA1 Hereditary Breast and Ovarian Cancer; OVARIAN CANCER, SUSCEPTIBILITY TO. Identifiers: Orphanet 145, MedGen C2676676, MONDO:0011450, OMIM 604370. Disease mechanism: loss of function.
Hereditary breast ovarian cancer syndrome. Also called: BRCA1- and BRCA2-Associated Hereditary Breast and Ovarian Cancer; Hereditary breast and ovarian cancer syndrome; Hereditary breast and ovarian cancer syndrome (HBOC); Breast and ovarian cancer; Hereditary breast and/or ovarian cancer syndrome; Hereditary breast and ovarian cancer. Identifiers: Orphanet 145, MedGen C0677776, MeSH D061325, MONDO:0003582. Disease mechanism: loss of function.

Submissions (5):

Evidence-based Network for the Interpretation of Germline Mutant Alleles (ENIGMA)
Classification: Pathogenic for Breast-ovarian cancer, familial, susceptibility to, 1. Last evaluated: 2017-12-15. Review status: reviewed by expert panel. Criteria: ENIGMA BRCA1/2 Classification Criteria (2017-06-29). Collection method: curation. Allele origin: germline. Study: ENIGMA.
Comment: Variant allele predicted to encode a truncated non-functional protein.

Ambry Genetics
Classification: Pathogenic for Hereditary cancer-predisposing syndrome. Last evaluated: 2025-01-10. Review status: criteria provided, single submitter. Criteria: Ambry Variant Classification Scheme 2023. Collection method: clinical testing. Allele origin: germline. Not counted in ClinVar's aggregate classification.
Comment: The c.5310dupG pathogenic mutation, located in coding exon 19 of the BRCA1 gene, results from a duplication of G at nucleotide position 5310, causing a translational frameshift with a predicted alternate stop codon (p.P1771Afs*59). This alteration has been reported in an individual with breast cancer (Ahmad J et al. Clin Genet, 2012 Dec;82:594-8). This variant is considered to be rare based on population cohorts in the Genome Aggregation Database (gnomAD). In addition to the clinical data presented in the literature, this alteration is expected to result in loss of function by premature protein truncation or nonsense-mediated mRNA decay. As such, this alteration is interpreted as a disease-causing mutation.

Color Diagnostics, LLC DBA Color Health
Classification: Pathogenic for Hereditary cancer-predisposing syndrome. Last evaluated: 2020-01-15. Review status: criteria provided, single submitter. Criteria: ACMG Guidelines, 2015. Collection method: clinical testing. Allele origin: germline. Not counted in ClinVar's aggregate classification.
Comment: This variant inserts 1 nucleotide in exon 20 of the BRCA1 gene, creating a frameshift and premature translation stop signal. This variant is expected to result in an absent or non-functional protein product. This variant has not been identified in the general population by the Genome Aggregation Database (gnomAD). Loss of BRCA1 function is a known mechanism of disease. Based on the available evidence, this variant is classified as Pathogenic.

Neuberg Centre For Genomic Medicine, NCGM
Classification: Pathogenic for Breast-ovarian cancer, familial, susceptibility to, 1. Review status: criteria provided, single submitter. Criteria: ACMG Guidelines, 2015. Collection method: clinical testing. Allele origin: germline. Inheritance: Autosomal dominant inheritance. Affected: yes. Not counted in ClinVar's aggregate classification.
Comment: The frame shift (c.5310dup) variant has been reported previously in patients affected with Breast-ovarian cancer, familial, 1(Antoniou et. al., 2003). The p.Pro1771AlafsTer59 variant is novel (not in any individuals) in gnomAD Exomes and 1000 Genomes. This variant has been reported to the ClinVar database as Pathogenic. This variant causes a frameshift starting with codon Proline 1771, changes this amino acid to Alanine residue, and creates a premature Stop codon at position 59 of the new reading frame, denoted p.Pro1771AlafsTer59. This variant is expected to result in an absent or non-functional protein product. Loss of BRCA1 function is a known mechanism of disease causing. For these reasons, this variant has been classified as Pathogenic .

Research Molecular Genetics Laboratory, Women's College Hospital, University of Toronto
Classification: Pathogenic for Hereditary breast ovarian cancer syndrome. Last evaluated: 2014-01-31. Review status: no assertion criteria provided. Collection method: research. Allele origin: germline. Affected: yes. Study: The Canadian Open Genetics Repository (COGR). Not counted in ClinVar's aggregate classification.

Literature cited by the submitters: PubMed 22486713 (cited by Ambry Genetics).

NM_007294.4(BRCA1):c.5310dup (p.Pro1771fs)

Gene: BRCA1 (BRCA1 DNA repair associated; minus strand). Cytogenetic location: 17q21.31.
Variant type: Duplication.
Coding change: c.5310dup on transcript NM_007294.4 (MANE Select); coding-DNA position 5310, one base duplicated (G; older notation c.5310dupG).
Protein change: p.Pro1771fs; shifts the reading frame from proline 1771.
Molecular consequence: frameshift variant. On other transcripts: non-coding transcript variant (1).
Genome position (GRCh38, 1-based): chr17:43,051,085, C duplicated on the plus strand (G on the coding strand, the reverse complement: BRCA1 is on the minus strand); the first of 3 consecutive C bases (chr17:43,051,085-43,051,087); duplicating any one gives the same sequence. VCF-style (leftmost placement, unchanged base first): chr17-43051084-G-GC. GRCh37 (hg19) VCF-style: chr17-41203101-G-GC.
Other names: c.5310dupG (NM_007294.3); c.5310dup (NM_007294.3); c.1999dup, p.Pro668Alafs (NM_001407975.1, NM_001407976.1, NM_001407977.1 and 3 more transcripts); c.1996dup, p.Pro667Alafs (NM_001407979.1, NM_001407980.1, NM_001407981.1 and 12 more transcripts); c.1993dup, p.Pro666Alafs (NM_001408392.1, NM_001408396.1, NM_001408397.1 and 8 more transcripts); c.1990dup, p.Pro665Alafs (NM_001408406.1, NM_001408407.1, NM_001408408.1); c.1987dup, p.Pro664Alafs (NM_001408409.1); c.1924dup, p.Pro643Alafs (NM_001408410.1); and 77 more; short protein forms P667fs, P1724fs, P1792fs, P1771fs.
Identifiers: ClinVar variation 55517 (VCV000055517.7), dbSNP rs80357581, ClinGen allele CA327998.